The following is an entry in ClinVar:

NM_000836.4(GRIN2D):c.3676T>C (p.Cys1226Arg)

Gene: GRIN2D (glutamate ionotropic receptor NMDA type subunit 2D; plus strand). Cytogenetic location: 19q13.33.
Variant type: single nucleotide variant.
Coding change: c.3676T>C on transcript NM_000836.4 (MANE Select); coding-DNA position 3676, T replaced by C.
Protein change: p.Cys1226Arg; replaces cysteine 1226 with arginine.
Molecular consequence: missense variant.
Genome position (GRCh38, 1-based): chr19:48,443,602, T>C. VCF-style: chr19-48443602-T-C. GRCh37 (hg19) VCF-style: chr19-48946859-T-C.
Other names: short protein forms C1226R.
Identifiers: ClinVar variation 4802163 (VCV004802163.1).

ClinVar aggregate classification (germline): Uncertain significance (1 of 4 stars; one submission).

Submission:

Labcorp Genetics (formerly Invitae), Labcorp
Classification: Uncertain significance. Last evaluated: 2025-11-13. Review status: criteria provided, single submitter. Criteria: Invitae Variant Classification Sherloc (09022015). Collection method: clinical testing. Allele origin: germline.
Comment: This sequence change replaces cysteine, which is neutral and slightly polar, with arginine, which is basic and polar, at codon 1226 of the GRIN2D protein (p.Cys1226Arg). The frequency data for this variant in the population databases is considered unreliable, as metrics indicate insufficient coverage at this position in the gnomAD database. This variant has not been reported in the literature in individuals affected with GRIN2D-related conditions. Invitae Evidence Modeling of protein sequence and biophysical properties (such as structural, functional, and spatial information, amino acid conservation, physicochemical variation, residue mobility, and thermodynamic stability) indicates that this missense variant is not expected to disrupt GRIN2D protein function with a negative predictive value of 95%. In summary, the available evidence is currently insufficient to determine the role of this variant in disease. Therefore, it has been classified as a Variant of Uncertain Significance.